The following is an entry in ClinVar:

NM_018191.4(RCBTB1):c.444+1G>A

Gene: RCBTB1 (RCC1 and BTB domain containing protein 1; minus strand). Cytogenetic location: 13q14.2.
Variant type: single nucleotide variant.
Coding change: c.444+1G>A on transcript NM_018191.4 (MANE Select); the canonical splice donor site of the intron after coding-DNA position 444, G replaced by A.
Molecular consequence: splice donor variant.
Genome position (GRCh38, 1-based): chr13:49,559,917, C>T on the plus strand (G>A on the coding strand, the complement: RCBTB1 is on the minus strand). VCF-style: chr13-49559917-C-T. GRCh37 (hg19) VCF-style: chr13-50134053-C-T.
Other names: c.444+1G>A (NM_001352501.2, NM_001352502.2, NM_001352503.2 and 3 more transcripts); c.-166+1G>A (NM_001352506.2).
Identifiers: ClinVar variation 841774 (VCV000841774.8), dbSNP rs1962294376, ClinGen allele CA388192016.

ClinVar aggregate classification (germline): Likely pathogenic (1 of 4 stars; one submission).

Submission:

Labcorp Genetics (formerly Invitae), Labcorp
Classification: Likely pathogenic. Last evaluated: 2020-09-16. Review status: criteria provided, single submitter. Criteria: Invitae Variant Classification Sherloc (09022015). Collection method: clinical testing. Allele origin: germline.
Comment: In summary, the currently available evidence indicates that the variant is pathogenic, but additional data are needed to prove that conclusively. Therefore, this variant has been classified as Likely Pathogenic. Donor and acceptor splice site variants typically lead to a loss of protein function (PMID: 16199547), and loss-of-function variants in RCBTB1 are known to be pathogenic (PMID: 31494449). Algorithms developed to predict the effect of sequence changes on RNA splicing suggest that this variant may disrupt the consensus splice site, but this prediction has not been confirmed by published transcriptional studies. This variant has not been reported in the literature in individuals with RCBTB1-related conditions. This variant is not present in population databases (ExAC no frequency). This sequence change affects a donor splice site in intron 5 of the RCBTB1 gene. It is expected to disrupt RNA splicing and likely results in an absent or disrupted protein product.

Literature cited by the submitters: PubMed 16199547; PubMed 31494449.